The following is an entry in ClinVar:

NM_001184880.2(PCDH19):c.3412C>T (p.Pro1138Ser)

Gene: PCDH19 (protocadherin 19; minus strand). Cytogenetic location: Xq22.1.
Variant type: single nucleotide variant.
Coding change: c.3412C>T on transcript NM_001184880.2 (MANE Select); coding-DNA position 3412, C replaced by T.
Protein change: p.Pro1138Ser; replaces proline 1138 with serine.
Molecular consequence: missense variant.
Genome position (GRCh38, 1-based): chrX:100,296,312, G>A on the plus strand (C>T on the coding strand, the complement: PCDH19 is on the minus strand). VCF-style: chrX-100296312-G-A. GRCh37 (hg19) VCF-style: chrX-99551310-G-A.
Other names: c.3271C>T, p.Pro1091Ser (NM_001105243.2); c.3268C>T, p.Pro1090Ser (NM_020766.3); short protein forms P1138S, P1090S, P1091S.
Identifiers: ClinVar variation 465305 (VCV000465305.15), dbSNP rs778782448, ClinGen allele CA10468625.

ClinVar aggregate classification (germline): Benign/Likely benign. Review status: criteria provided, multiple submitters, no conflicts (2 of 4 stars). 4 submissions from 4 submitters: Benign (1); Likely benign (2). 1 of the submissions does not count toward it. Last evaluated 2026-01-02.

Conditions:
Inborn genetic diseases. Identifiers: MedGen C0950123, MeSH D030342.
Developmental and epileptic encephalopathy, 9 (DEE9). Also called: JUBERG-HELLMAN SYNDROME; Early infantile epileptic encephalopathy 9; EPILEPSY, FEMALE-RESTRICTED, WITH MENTAL RETARDATION; PCDH19-Related X-Linked Female-Limited Epilepsy with Mental Retardation. Identifiers: Orphanet 101039, Orphanet 2076, MedGen C1848137, MONDO:0010246, OMIM 300088. Disease mechanism: loss of function.
PCDH19-related disorder. Also called: PCDH19-related condition.

Allele frequency attached by ClinVar (database versions not stated): TOPMed 0.00010; ExAC 0.00014.
gnomAD v4.1: 28 of 1,209,129 alleles (0.0023%); highest among the groups gnomAD compares: Admixed American, 0.061%; no homozygotes.

Submissions (4):

Labcorp Genetics (formerly Invitae), Labcorp
Classification: Likely benign for Developmental and epileptic encephalopathy, 9. Last evaluated: 2026-01-02. Review status: criteria provided, single submitter. Criteria: Invitae Variant Classification Sherloc (09022015). Collection method: clinical testing. Allele origin: germline.

GeneDx
Classification: Likely benign. Last evaluated: 2018-01-03. Review status: criteria provided, single submitter. Criteria: GeneDx Variant Classification (06012015). Collection method: clinical testing. Allele origin: germline. Affected: yes.
Comment: This variant is considered likely benign or benign based on one or more of the following criteria: it is a conservative change, it occurs at a poorly conserved position in the protein, it is predicted to be benign by multiple in silico algorithms, and/or has population frequency not consistent with disease.

Ambry Genetics
Classification: Benign for Inborn genetic diseases. Last evaluated: 2017-12-15. Review status: criteria provided, single submitter. Criteria: Ambry Variant Classification Scheme 2023. Collection method: clinical testing. Allele origin: germline.

PreventionGenetics, part of Exact Sciences
Classification: Likely benign for PCDH19-related condition. Last evaluated: 2023-05-15. Review status: no assertion criteria provided. Collection method: clinical testing. Allele origin: germline. Not counted in ClinVar's aggregate classification.
Comment: This variant is classified as likely benign based on ACMG/AMP sequence variant interpretation guidelines (Richards et al. 2015 PMID: 25741868, with internal and published modifications).